The following is an entry in ClinVar:

NM_013266.4(CTNNA3):c.2178G>T (p.Lys726Asn)

Gene: CTNNA3 (catenin alpha 3; minus strand). Cytogenetic location: 10q21.3.
Variant type: single nucleotide variant.
Coding change: c.2178G>T on transcript NM_013266.4 (MANE Select); coding-DNA position 2178, G replaced by T.
Protein change: p.Lys726Asn; replaces lysine 726 with asparagine.
Molecular consequence: missense variant.
Genome position (GRCh38, 1-based): chr10:65,988,779, C>A on the plus strand (G>T on the coding strand, the complement: CTNNA3 is on the minus strand). VCF-style: chr10-65988779-C-A. GRCh37 (hg19) VCF-style: chr10-67748537-C-A.
Other names: c.2178G>T, p.Lys726Asn (NM_001127384.3); short protein forms K726N.
Identifiers: ClinVar variation 3837203 (VCV003837203.1).

ClinVar aggregate classification (germline): Uncertain significance (1 of 4 stars; one submission).

Submission:

Ambry Genetics
Classification: Uncertain significance. Last evaluated: 2024-12-21. Review status: criteria provided, single submitter. Criteria: Ambry Variant Classification Scheme 2023. Collection method: clinical testing. Allele origin: germline.
Comment: The p.K726N variant (also known as c.2178G>T), located in coding exon 15 of the CTNNA3 gene, results from a G to T substitution at nucleotide position 2178. The lysine at codon 726 is replaced by asparagine, an amino acid with similar properties. This amino acid position is conserved. In addition, this alteration is predicted to be tolerated by in silico analysis. Based on the available evidence, the clinical significance of this variant remains unclear.